The following is an entry in ClinVar:

ClinVar aggregate classification (germline): Uncertain significance. Review status: criteria provided, multiple submitters, no conflicts (2 of 4 stars). 2 submissions from 2 submitters: Uncertain significance (2). Last evaluated 2025-07-21.

Conditions:
Inborn genetic diseases. Identifiers: MedGen C0950123, MeSH D030342.

gnomAD v4.1: 1 of 1,614,102 alleles (0.000062%); highest among the groups gnomAD compares: Non-Finnish European, 0.000085%; no homozygotes.

Submissions (2):

Labcorp Genetics (formerly Invitae), Labcorp
Classification: Uncertain significance. Last evaluated: 2025-07-21. Review status: criteria provided, single submitter. Criteria: Invitae Variant Classification Sherloc (09022015). Collection method: clinical testing. Allele origin: germline.
Comment: This sequence change replaces threonine, which is neutral and polar, with serine, which is neutral and polar, at codon 1915 of the DNAH9 protein (p.Thr1915Ser). This variant is not present in population databases (gnomAD no frequency). This variant has not been reported in the literature in individuals affected with DNAH9-related conditions. ClinVar contains an entry for this variant (Variation ID: 3272961). Invitae Evidence Modeling of protein sequence and biophysical properties (such as structural, functional, and spatial information, amino acid conservation, physicochemical variation, residue mobility, and thermodynamic stability) indicates that this missense variant is not expected to disrupt DNAH9 protein function with a negative predictive value of 80%. In summary, the available evidence is currently insufficient to determine the role of this variant in disease. Therefore, it has been classified as a Variant of Uncertain Significance.

Ambry Genetics
Classification: Uncertain significance for Inborn genetic diseases. Last evaluated: 2024-03-31. Review status: criteria provided, single submitter. Criteria: Ambry Variant Classification Scheme 2023. Collection method: clinical testing. Allele origin: germline.

NM_001372.4(DNAH9):c.5744C>G (p.Thr1915Ser)

Gene: DNAH9 (dynein axonemal heavy chain 9; plus strand). Cytogenetic location: 17p12.
Variant type: single nucleotide variant.
Coding change: c.5744C>G on transcript NM_001372.4 (MANE Select); coding-DNA position 5744, C replaced by G.
Protein change: p.Thr1915Ser; replaces threonine 1915 with serine.
Molecular consequence: missense variant.
Genome position (GRCh38, 1-based): chr17:11,727,852, C>G. VCF-style: chr17-11727852-C-G. GRCh37 (hg19) VCF-style: chr17-11631169-C-G.
Other names: short protein forms T1915S.
Identifiers: ClinVar variation 3272961 (VCV003272961.2).